The following is an entry in ClinVar:

NM_175914.5(HNF4A):c.1288G>A (p.Ala430Thr)

Gene: HNF4A (hepatocyte nuclear factor 4 alpha; plus strand). Cytogenetic location: 20q13.12.
Variant type: single nucleotide variant.
Coding change: c.1288G>A on transcript NM_175914.5 (MANE Select); coding-DNA position 1288, G replaced by A.
Protein change: p.Ala430Thr; replaces alanine 430 with threonine.
Molecular consequence: missense variant.
Genome position (GRCh38, 1-based): chr20:44,429,594, G>A. VCF-style: chr20-44429594-G-A. GRCh37 (hg19) VCF-style: chr20-43058234-G-A.
Other names: c.1354G>A, p.Ala452Thr (NM_000457.6); c.1258G>A, p.Ala420Thr (NM_001030003.3); c.1333G>A, p.Ala445Thr (NM_001258355.2); c.1249G>A, p.Ala417Thr (NM_001287182.2); c.1279G>A, p.Ala427Thr (NM_001287183.2); c.1324G>A, p.Ala442Thr (NM_178849.3); short protein forms A417T, A420T, A427T, A430T, A442T, A445T, A452T.
Identifiers: ClinVar variation 1303801 (VCV001303801.2), dbSNP rs1281910350, ClinGen allele CA409110432.

ClinVar aggregate classification (germline): Uncertain significance (1 of 4 stars; one submission).

Allele frequency attached by ClinVar (database versions not stated): gnomAD exomes below 0.00001.
gnomAD v4.1: 2 of 1,614,000 alleles (0.00012%); highest among the groups gnomAD compares: Non-Finnish European, 0.00017%; no homozygotes.

Submission:

GeneDx
Classification: Uncertain significance. Last evaluated: 2020-01-15. Review status: criteria provided, single submitter. Criteria: GeneDx Variant Classification Process June 2021. Collection method: clinical testing. Allele origin: germline. Affected: yes.
Comment: Not observed in large population cohorts (Lek et al., 2016); In silico analysis, which includes protein predictors and evolutionary conservation, supports that this variant does not alter protein structure/function; This variant is associated with the following publications: (PMID: 10768098)